The following is an entry in ClinVar:

NM_001042750.2(STAG2):c.3020C>T (p.Ser1007Phe)

Gene: STAG2 (STAG2 cohesin complex component; plus strand). Cytogenetic location: Xq25.
Variant type: single nucleotide variant.
Coding change: c.3020C>T on transcript NM_001042750.2 (MANE Select); coding-DNA position 3020, C replaced by T.
Protein change: p.Ser1007Phe; replaces serine 1007 with phenylalanine.
Molecular consequence: missense variant.
Genome position (GRCh38, 1-based): chrX:124,083,516, C>T. VCF-style: chrX-124083516-C-T. GRCh37 (hg19) VCF-style: chrX-123217366-C-T.
Other names: c.3020C>T (NM_001042749.1); c.3020C>T, p.Ser1007Phe (NM_001042749.2, NM_001042751.2, NM_001282418.2 and 2 more transcripts); short protein forms S1007F.
Identifiers: ClinVar variation 2127245 (VCV002127245.5), dbSNP rs2059015903, ClinGen allele CA414280617.

ClinVar aggregate classification (germline): Uncertain significance. Review status: criteria provided, multiple submitters, no conflicts (2 of 4 stars). 2 submissions from 2 submitters: Uncertain significance (2). Last evaluated 2024-01-29.

Conditions:
Inborn genetic diseases. Identifiers: MedGen C0950123, MeSH D030342.

Submissions (2):

Labcorp Genetics (formerly Invitae), Labcorp
Classification: Uncertain significance. Last evaluated: 2024-01-29. Review status: criteria provided, single submitter. Criteria: Invitae Variant Classification Sherloc (09022015). Collection method: clinical testing. Allele origin: germline.
Comment: This sequence change replaces serine, which is neutral and polar, with phenylalanine, which is neutral and non-polar, at codon 1007 of the STAG2 protein (p.Ser1007Phe). This variant is not present in population databases (gnomAD no frequency). This missense change has been observed in individual(s) with clinical features of STAG2-related conditions (Invitae). ClinVar contains an entry for this variant (Variation ID: 2127245). Advanced modeling of protein sequence and biophysical properties (such as structural, functional, and spatial information, amino acid conservation, physicochemical variation, residue mobility, and thermodynamic stability) performed at Invitae indicates that this missense variant is expected to disrupt STAG2 protein function with a positive predictive value of 80%. In summary, the available evidence is currently insufficient to determine the role of this variant in disease. Therefore, it has been classified as a Variant of Uncertain Significance.

Ambry Genetics
Classification: Uncertain significance for Inborn genetic diseases. Last evaluated: 2020-05-15. Review status: criteria provided, single submitter. Criteria: Ambry Variant Classification Scheme 2023. Collection method: clinical testing. Allele origin: germline.
Comment: The c.3020C>T (p.S1007F) alteration is located in exon 29 (coding exon 27) of the STAG2 gene. This alteration results from a C to T substitution at nucleotide position 3020, causing the serine (S) at amino acid position 1007 to be replaced by a phenylalanine (F). Based on data from the Genome Aggregation Database (gnomAD), the STAG2 c.3020C>T alteration was not observed, with coverage at this position. This amino acid position is highly conserved in available vertebrate species. The p.S1007F alteration is predicted to be deleterious by in silico analysis. Based on insufficient or conflicting evidence, the clinical significance of this alteration remains unclear.